The following is an entry in ClinVar:

ClinVar aggregate classification (germline): Pathogenic (1 of 4 stars; one submission).

Conditions:
Hereditary cancer-predisposing syndrome. Also called: Neoplastic Syndromes, Hereditary; Tumor predisposition; Hereditary Cancer Syndrome; Hereditary neoplastic syndrome. Identifiers: Orphanet 140162, MedGen C0027672, MeSH D009386, MONDO:0015356.

Submission:

Ambry Genetics
Classification: Pathogenic for Hereditary cancer-predisposing syndrome. Last evaluated: 2021-11-23. Review status: criteria provided, single submitter. Criteria: Ambry Variant Classification Scheme 2023. Collection method: clinical testing. Allele origin: germline.
Comment: The c.1900delT pathogenic mutation, located in coding exon 14 of the MSH3 gene, results from a deletion of one nucleotide at nucleotide position 1900, causing a translational frameshift with a predicted alternate stop codon (p.S634Lfs*7). This variant is considered to be rare based on population cohorts in the Genome Aggregation Database (gnomAD). This alteration is expected to result in loss of function by premature protein truncation or nonsense-mediated mRNA decay. As such, this alteration is interpreted as a disease-causing mutation.

NM_002439.5(MSH3):c.1900del (p.Ser634fs)

Gene: MSH3 (mutS homolog 3; plus strand). Cytogenetic location: 5q14.1.
Variant type: Deletion.
Coding change: c.1900del on transcript NM_002439.5 (MANE Select); coding-DNA position 1900, one base deleted (T; older notation c.1900delT).
Protein change: p.Ser634fs; shifts the reading frame from serine 634.
Molecular consequence: frameshift variant.
Genome position (GRCh38, 1-based): chr5:80,767,936, T deleted; the last of 2 consecutive T bases (chr5:80,767,935-80,767,936); deleting either gives the same sequence. VCF-style (leftmost placement, unchanged base first): chr5-80767934-GT-G. GRCh37 (hg19) VCF-style: chr5-80063753-GT-G.
Other names: short protein forms S634fs.
Identifiers: ClinVar variation 1782306 (VCV001782306.2), dbSNP rs2546773528, ClinGen allele CA2580073569.